The following is an entry in ClinVar:

ClinVar aggregate classification (germline): Pathogenic (1 of 4 stars; one submission).

Conditions:
Thrombocytopenia 1. Also called: X-Linked Thrombocytopenia (XLT); THROMBOCYTOPENIA, X-LINKED, 1; X-linked thrombocytopenia with normal platelets. Identifiers: Orphanet 268322, Orphanet 852, MedGen C1839163, MONDO:0010743, OMIM 313900.
X-linked severe congenital neutropenia (SCNX). Identifiers: Orphanet 86788, MedGen C1845987, MONDO:0010294, OMIM 300299.
Wiskott-Aldrich syndrome (WAS). Also called: WISKOTT-ALDRICH SYNDROME 1; ALDRICH SYNDROME; IMMUNODEFICIENCY 2; Wiskott-aldrich syndrome, somatic. Identifiers: Orphanet 906, MedGen C0043194, MONDO:0010518, OMIM 301000.

Submission:

Labcorp Genetics (formerly Invitae), Labcorp
Classification: Pathogenic for Wiskott-Aldrich syndrome; X-linked severe congenital neutropenia; Thrombocytopenia 1. Last evaluated: 2023-11-16. Review status: criteria provided, single submitter. Criteria: Invitae Variant Classification Sherloc (09022015). Collection method: clinical testing. Allele origin: germline.
Comment: This sequence change creates a premature translational stop signal (p.Gln440*) in the WAS gene. It is expected to result in an absent or disrupted protein product. Loss-of-function variants in WAS are known to be pathogenic (PMID: 15284122). This variant is not present in population databases (gnomAD no frequency). This premature translational stop signal has been observed in individual(s) with Wiskott-Aldrich syndrome (PMID: 10447259). This variant is also known as 1352C>T (Q440X) . Algorithms developed to predict the effect of sequence changes on RNA splicing suggest that this variant may disrupt the consensus splice site. For these reasons, this variant has been classified as Pathogenic.

Literature cited by the submitters: PubMed 15284122; PubMed 10447259.

NM_000377.3(WAS):c.1318C>T (p.Gln440Ter)

Gene: WAS (WASP actin nucleation promoting factor; plus strand). Cytogenetic location: Xp11.23.
Variant type: single nucleotide variant.
Coding change: c.1318C>T on transcript NM_000377.3 (MANE Select); coding-DNA position 1318, C replaced by T.
Protein change: p.Gln440Ter; replaces glutamine 440 with a stop codon.
Molecular consequence: nonsense.
Genome position (GRCh38, 1-based): chrX:48,689,046, C>T. VCF-style: chrX-48689046-C-T. GRCh37 (hg19) VCF-style: chrX-48547435-C-T.
Other names: short protein forms Q440*.
Identifiers: ClinVar variation 2925673 (VCV002925673.3), dbSNP rs1243089358, ClinGen allele CA412873713.